The following is an entry in ClinVar:

NM_152328.5(ADSS1):c.698G>A (p.Arg233Gln)

Gene: ADSS1 (adenylosuccinate synthase 1; plus strand). Cytogenetic location: 14q32.33.
Variant type: single nucleotide variant.
Coding change: c.698G>A on transcript NM_152328.5 (MANE Select); coding-DNA position 698, G replaced by A.
Protein change: p.Arg233Gln; replaces arginine 233 with glutamine.
Molecular consequence: missense variant.
Genome position (GRCh38, 1-based): chr14:104,741,148, G>A. VCF-style: chr14-104741148-G-A. GRCh37 (hg19) VCF-style: chr14-105207485-G-A.
Other names: c.83G>A, p.Arg28Gln (NM_001320424.1); c.827G>A, p.Arg276Gln (NM_199165.2); short protein forms R233Q, R276Q, R28Q.
Identifiers: ClinVar variation 1681957 (VCV001681957.5), dbSNP rs145306973, ClinGen allele CA7373814.

ClinVar aggregate classification (germline): Uncertain significance (1 of 4 stars; one submission).

Allele frequency attached by ClinVar (database versions not stated): TOPMed below 0.00001; gnomAD 0.00001; ESP Exome Variant Server 0.00008.

Submission:

Labcorp Genetics (formerly Invitae), Labcorp
Classification: Uncertain significance. Last evaluated: 2022-06-27. Review status: criteria provided, single submitter. Criteria: Invitae Variant Classification Sherloc (09022015). Collection method: clinical testing. Allele origin: germline.
Comment: This sequence change replaces arginine, which is basic and polar, with glutamine, which is neutral and polar, at codon 276 of the ADSSL1 protein (p.Arg276Gln). This variant is present in population databases (rs145306973, gnomAD 0.006%). This variant has not been reported in the literature in individuals affected with ADSSL1-related conditions. Algorithms developed to predict the effect of missense changes on protein structure and function are either unavailable or do not agree on the potential impact of this missense change (SIFT: "Not Available"; PolyPhen-2: "Benign"; Align-GVGD: "Not Available"). In summary, the available evidence is currently insufficient to determine the role of this variant in disease. Therefore, it has been classified as a Variant of Uncertain Significance.